The following is an entry in ClinVar:

ClinVar aggregate classification (germline): Uncertain significance (1 of 4 stars; one submission).

Conditions:
Congenital muscular dystrophy due to integrin alpha-7 deficiency. Also called: Congenital muscular dystrophy with integrin alpha-7 deficiency; Muscular dystrophy, congenital, due to ITGA7 deficiency; MYOPATHY, CONGENITAL, DUE TO INTEGRIN ALPHA-7 DEFICIENCY. Identifiers: Orphanet 34520, MedGen C2750786, MONDO:0013177, OMIM 613204.

Submission:

Labcorp Genetics (formerly Invitae), Labcorp
Classification: Uncertain significance for Congenital muscular dystrophy due to integrin alpha-7 deficiency. Last evaluated: 2024-02-24. Review status: criteria provided, single submitter. Criteria: Invitae Variant Classification Sherloc (09022015). Collection method: clinical testing. Allele origin: germline.
Comment: This sequence change replaces alanine, which is neutral and non-polar, with valine, which is neutral and non-polar, at codon 758 of the ITGA7 protein (p.Ala758Val). This variant is not present in population databases (gnomAD no frequency). This variant has not been reported in the literature in individuals affected with ITGA7-related conditions. ClinVar contains an entry for this variant (Variation ID: 2100396). Advanced modeling of protein sequence and biophysical properties (such as structural, functional, and spatial information, amino acid conservation, physicochemical variation, residue mobility, and thermodynamic stability) performed at Invitae indicates that this missense variant is expected to disrupt ITGA7 protein function with a positive predictive value of 80%. In summary, the available evidence is currently insufficient to determine the role of this variant in disease. Therefore, it has been classified as a Variant of Uncertain Significance.

NM_002206.3(ITGA7):c.2273C>T (p.Ala758Val)

Genes: ITGA7 (integrin subunit alpha 7; minus strand), LOC126861535 (CDK7 strongly-dependent group 2 enhancer GRCh37_chr12:56087579-56088778; plus strand). Cytogenetic location: 12q13.2.
Variant type: single nucleotide variant.
Coding change: c.2273C>T on transcript NM_002206.3 (MANE Select); coding-DNA position 2273, C replaced by T.
Protein change: p.Ala758Val; replaces alanine 758 with valine.
Molecular consequence: missense variant.
Genome position (GRCh38, 1-based): chr12:55,694,619, G>A on the plus strand (C>T on the coding strand, the complement: ITGA7 is on the minus strand). VCF-style: chr12-55694619-G-A. GRCh37 (hg19) VCF-style: chr12-56088403-G-A.
Other names: c.2285C>T, p.Ala762Val (NM_001144996.2); c.1994C>T, p.Ala665Val (NM_001144997.2); c.1946C>T, p.Ala649Val (NM_001367993.1); c.929C>T, p.Ala310Val (NM_001367994.1); c.2255C>T, p.Ala752Val (NM_001374465.1); c.2405C>T, p.Ala802Val (NM_001410977.1); c.2267C>T, p.Ala756Val (NM_001414029.1); c.2198C>T, p.Ala733Val (NM_001414030.1); and 5 more; short protein forms A649V, A756V, A758V, A802V, A665V, A733V, A752V, A310V.
Identifiers: ClinVar variation 2100396 (VCV002100396.4), dbSNP rs2539735034, ClinGen allele CA385183327.